The following is an entry in ClinVar:

NM_183381.3(RNF13):c.807T>C (p.Pro269=)

Gene: RNF13 (ring finger protein 13; plus strand). Cytogenetic location: 3q25.1.
Variant type: single nucleotide variant.
Coding change: c.807T>C on transcript NM_183381.3 (MANE Select); coding-DNA position 807, T replaced by C.
Protein change: p.Pro269=; no amino-acid change (proline 269 retained).
Molecular consequence: synonymous variant. On other transcripts: non-coding transcript variant (1).
Genome position (GRCh38, 1-based): chr3:149,960,765, T>C. VCF-style: chr3-149960765-T-C. GRCh37 (hg19) VCF-style: chr3-149678552-T-C.
Other names: c.807T>C, p.Pro269= (NM_001378285.1, NM_001378286.1, NM_007282.4); c.450T>C, p.Pro150= (NM_001378287.1, NM_001378288.1, NM_001378289.1 and 2 more transcripts); c.414T>C, p.Pro138= (NM_001378291.1); c.807T>C (NM_183381.2).
Identifiers: ClinVar variation 2037873 (VCV002037873.6), dbSNP rs760365736, ClinGen allele CA2663120.

ClinVar aggregate classification (germline): Likely benign. Review status: criteria provided, multiple submitters, no conflicts (2 of 4 stars). 3 submissions from 3 submitters: Likely benign (2). 1 of the submissions does not count toward it. Last evaluated 2025-11-23.

Conditions:
RNF13-related disorder. Also called: RNF13-related condition.

Allele frequency attached by ClinVar (database versions not stated): ExAC 0.00001; gnomAD exomes 0.00002.
gnomAD v4.1: 24 of 1,613,624 alleles (0.0015%); highest among the groups gnomAD compares: Non-Finnish European, 0.0019%; no homozygotes.

Submissions (3):

Labcorp Genetics (formerly Invitae), Labcorp
Classification: Likely benign. Last evaluated: 2025-11-23. Review status: criteria provided, single submitter. Criteria: Invitae Variant Classification Sherloc (09022015). Collection method: clinical testing. Allele origin: germline.

Blueprint Genetics
Classification: Likely benign. Last evaluated: 2023-02-28. Review status: criteria provided, single submitter. Criteria: ACMG Guidelines, 2015. Collection method: clinical testing. Allele origin: germline.

PreventionGenetics, part of Exact Sciences
Classification: Likely benign for RNF13-related condition. Last evaluated: 2024-06-27. Review status: no assertion criteria provided. Collection method: clinical testing. Allele origin: germline. Not counted in ClinVar's aggregate classification.
Comment: This variant is classified as likely benign based on ACMG/AMP sequence variant interpretation guidelines (Richards et al. 2015 PMID: 25741868, with internal and published modifications).